The following is an entry in ClinVar:

ClinVar aggregate classification (germline): Uncertain significance. Review status: criteria provided, multiple submitters, no conflicts (2 of 4 stars). 2 submissions from 2 submitters: Uncertain significance (2). Last evaluated 2025-12-01.

Conditions:
Atrioventricular septal defect 4 (AVSD4). Identifiers: MedGen C3280781, MONDO:0013747, OMIM 614430.
Cardiovascular phenotype. Identifiers: MedGen CN230736.

Submissions (2):

Labcorp Genetics (formerly Invitae), Labcorp
Classification: Uncertain significance for Atrioventricular septal defect 4. Last evaluated: 2025-12-01. Review status: criteria provided, single submitter. Criteria: Invitae Variant Classification Sherloc (09022015). Collection method: clinical testing. Allele origin: germline.
Comment: This sequence change replaces leucine, which is neutral and non-polar, with phenylalanine, which is neutral and non-polar, at codon 5 of the GATA4 protein (p.Leu5Phe). This variant is not present in population databases (gnomAD no frequency). This variant has not been reported in the literature in individuals affected with GATA4-related conditions. ClinVar contains an entry for this variant (Variation ID: 3519063). Invitae Evidence Modeling of protein sequence and biophysical properties (such as structural, functional, and spatial information, amino acid conservation, physicochemical variation, residue mobility, and thermodynamic stability) has been performed for this missense variant. However, the output from this modeling did not meet the statistical confidence thresholds required to predict the impact of this variant on GATA4 protein function. In summary, the available evidence is currently insufficient to determine the role of this variant in disease. Therefore, it has been classified as a Variant of Uncertain Significance.

Ambry Genetics
Classification: Uncertain significance for Cardiovascular phenotype. Last evaluated: 2024-11-15. Review status: criteria provided, single submitter. Criteria: Ambry Variant Classification Scheme 2023. Collection method: clinical testing. Allele origin: germline.

NM_001308093.3(GATA4):c.15G>C (p.Leu5Phe)

Gene: GATA4 (GATA binding protein 4). Cytogenetic location: 8p23.1.
Variant type: single nucleotide variant.
Coding change: c.15G>C on transcript NM_001308093.3 (MANE Select); coding-DNA position 15, G replaced by C.
Protein change: p.Leu5Phe; replaces leucine 5 with phenylalanine.
Molecular consequence: missense variant. On other transcripts: intron variant (3).
Genome position (GRCh38, 1-based): chr8:11,708,327, G>C. VCF-style: chr8-11708327-G-C. GRCh37 (hg19) VCF-style: chr8-11565836-G-C.
Other names: c.15G>C, p.Leu5Phe (NM_002052.5); c.-6+7549G>C (NM_001308094.2); c.-3+313G>C (NM_001374274.1); c.-3+4023G>C (NM_001374273.1); short protein forms L5F.
Identifiers: ClinVar variation 3519063 (VCV003519063.2).
Genomic context (GRCh38, chr8:11,708,327, plus strand): 5'-CTGCGAGGGAGAGAGAGGACACCGAAGCCGGGAGCTCGCAGGGACCATGTATCAGAGCTT[G>C]GCCATGGCCGCCAACCACGGGCCGCCCCCCGGTGCCTACGAGGCGGGCGGCCCCGGCGCC-3'
Protein context (NP_001295022.1, residues 1-15): MYQS[Leu5Phe]AMAANHGPPP